The following is an entry in ClinVar:

NM_001369369.1(FOXN1):c.562del (p.Ser188fs)

Gene: FOXN1 (forkhead box N1; plus strand). Cytogenetic location: 17q11.2.
Variant type: Deletion.
Coding change: c.562del on transcript NM_001369369.1 (MANE Select); coding-DNA position 562, one base deleted (A; older notation c.562delA).
Protein change: p.Ser188fs; shifts the reading frame from serine 188.
Molecular consequence: frameshift variant.
Genome position (GRCh38, 1-based): chr17:28,524,941, A deleted. VCF-style (leftmost placement, unchanged base first): chr17-28524940-CA-C. GRCh37 (hg19) VCF-style: chr17-26851958-CA-C.
Other names: NM_001369369.1(FOXN1):c.562del; p.Ser188fs; c.562del, p.Ser188fs (NM_003593.3); short protein forms S188fs.
Identifiers: ClinVar variation 827573 (VCV000827573.2), dbSNP rs1597552140, ClinGen allele CA915949635.

ClinVar aggregate classification (germline): Pathogenic. Review status: reviewed by expert panel (3 of 4 stars). 2 submissions from 2 submitters: Pathogenic (1). 1 of the submissions does not count toward it. Last evaluated 2024-07-29.

Conditions:
T-cell immunodeficiency, congenital alopecia, and nail dystrophy. Also called: Congenital alopecia and nail dystrophy associated with severe functional T-cell immunodeficiency; Pignata Guarino syndrome. Identifiers: Orphanet 169095, MedGen C1866426, MONDO:0011132, OMIM 601705.

Submissions (2):

ClinGen Severe Combined Immunodeficiency Variant Curation Expert Panel, ClinGen
Classification: Pathogenic for T-cell immunodeficiency, congenital alopecia, and nail dystrophy. Last evaluated: 2024-07-29. Review status: reviewed by expert panel. Criteria: ClinGen SCID ACMG Specifications FOXN1 V1.0.0. Collection method: curation. Allele origin: germline. Inheritance: Semidominant inheritance.
Comment: NM_001369369.1(FOXN1):c.562del is a frameshift variant predicted to cause a premature stop codon and lead to nonsense mediated decay in a disease that is loss of function (PVS1). The variant has been found in at least one homozygous patient with SCID due to FOXN1 deficiency (PM3_supporting). The variant is absent from gnomADv4.0.0 (PM2_supporting). In summary this variant meets criteria to be classified as pathogenic for semidominant T-cell immunodeficiency, congenital alopecia, and nail dystrophy due to FOXN1 deficiency based on the ACMG/AMP criteria applied: PVS1, PM2_supporting, PM3_supporting, PP4, as specified by the ClinGen SCID VCEP FOXN1 subgroup (specifications v1.0).

OMIM
Classification: Pathogenic for T-CELL IMMUNODEFICIENCY, CONGENITAL ALOPECIA, AND NAIL DYSTROPHY. Last evaluated: 2020-03-13. Review status: no assertion criteria provided. Collection method: literature only. Allele origin: germline. Not counted in ClinVar's aggregate classification.

Literature cited by the submitters: PubMed 25173801 (cited by OMIM).